The following is an entry in ClinVar:

NM_001458.5(FLNC):c.3496G>A (p.Glu1166Lys)

Gene: FLNC (filamin C; plus strand). Cytogenetic location: 7q32.1.
Variant type: single nucleotide variant.
Coding change: c.3496G>A on transcript NM_001458.5 (MANE Select); coding-DNA position 3496, G replaced by A.
Protein change: p.Glu1166Lys; replaces glutamic acid 1166 with lysine.
Molecular consequence: missense variant.
Genome position (GRCh38, 1-based): chr7:128,844,961, G>A. VCF-style: chr7-128844961-G-A. GRCh37 (hg19) VCF-style: chr7-128485015-G-A.
Other names: c.3496G>A, p.Glu1166Lys (NM_001127487.2); short protein forms E1166K.
Identifiers: ClinVar variation 2441512 (VCV002441512.7), dbSNP rs1808493748, ClinGen allele CA369197103.

ClinVar aggregate classification (germline): Uncertain significance. Review status: criteria provided, multiple submitters, no conflicts (2 of 4 stars). 4 submissions from 4 submitters: Uncertain significance (4). Last evaluated 2025-01-29.

Conditions:
Cardiovascular phenotype. Identifiers: MedGen CN230736.
Myofibrillar myopathy 5. Also called: Filaminopathy (type); FILAMINOPATHY, AUTOSOMAL DOMINANT. Identifiers: Orphanet 171445, MedGen C1836050, MONDO:0012289, OMIM 609524.
Distal myopathy with posterior leg and anterior hand involvement. Also called: WILLIAMS DISTAL MYOPATHY. Identifiers: Orphanet 63273, MedGen C3279722, MONDO:0013550, OMIM 614065.
Hypertrophic cardiomyopathy 26. Also called: Cardiomyopathy, familial hypertrophic, 26. Identifiers: Orphanet 75249, MedGen C4310749, MONDO:0014883, OMIM 617047.

Allele frequency attached by ClinVar (database versions not stated): gnomAD exomes below 0.00001.
gnomAD v4.1: 4 of 1,613,878 alleles (0.00025%); highest among the groups gnomAD compares: Non-Finnish European, 0.00034%; no homozygotes.

Submissions (4):

Labcorp Genetics (formerly Invitae), Labcorp
Classification: Uncertain significance for Distal myopathy with posterior leg and anterior hand involvement; Myofibrillar myopathy 5; Hypertrophic cardiomyopathy 26. Last evaluated: 2025-01-29. Review status: criteria provided, single submitter. Criteria: Invitae Variant Classification Sherloc (09022015). Collection method: clinical testing. Allele origin: germline.
Comment: This sequence change replaces glutamic acid, which is acidic and polar, with lysine, which is basic and polar, at codon 1166 of the FLNC protein (p.Glu1166Lys). This variant is not present in population databases (gnomAD no frequency). This variant has not been reported in the literature in individuals affected with FLNC-related conditions. ClinVar contains an entry for this variant (Variation ID: 2441512). Invitae Evidence Modeling of protein sequence and biophysical properties (such as structural, functional, and spatial information, amino acid conservation, physicochemical variation, residue mobility, and thermodynamic stability) has been performed for this missense variant. However, the output from this modeling did not meet the statistical confidence thresholds required to predict the impact of this variant on FLNC protein function. In summary, the available evidence is currently insufficient to determine the role of this variant in disease. Therefore, it has been classified as a Variant of Uncertain Significance.

Revvity Omics, Revvity
Classification: Uncertain significance. Last evaluated: 2023-11-30. Review status: criteria provided, single submitter. Criteria: ACMG Guidelines, 2015. Collection method: clinical testing. Allele origin: germline.

Ambry Genetics
Classification: Uncertain significance for Cardiovascular phenotype. Last evaluated: 2023-01-18. Review status: criteria provided, single submitter. Criteria: Ambry Variant Classification Scheme 2023. Collection method: clinical testing. Allele origin: germline.
Comment: The p.E1166K variant (also known as c.3496G>A), located in coding exon 21 of the FLNC gene, results from a G to A substitution at nucleotide position 3496. The glutamic acid at codon 1166 is replaced by lysine, an amino acid with similar properties. This amino acid position is conserved. In addition, this alteration is predicted to be deleterious by in silico analysis. Since supporting evidence is limited at this time, the clinical significance of this alteration remains unclear.

Blueprint Genetics
Classification: Uncertain significance. Last evaluated: 2020-06-03. Review status: criteria provided, single submitter. Criteria: ACMG Guidelines, 2015. Collection method: clinical testing. Allele origin: germline.